The following is an entry in ClinVar:

NM_001164586.2(IGFN1):c.10062C>T (p.Gly3354=)

Gene: IGFN1 (immunoglobulin like and fibronectin type III domain containing 1; plus strand). Cytogenetic location: 1q32.1.
Variant type: single nucleotide variant.
Coding change: c.10062C>T on transcript NM_001164586.2 (MANE Select); coding-DNA position 10062, C replaced by T.
Protein change: p.Gly3354=; no amino-acid change (glycine 3354 retained).
Molecular consequence: synonymous variant.
Genome position (GRCh38, 1-based): chr1:201,221,607, C>T. VCF-style: chr1-201221607-C-T. GRCh37 (hg19) VCF-style: chr1-201190735-C-T.
Other names: c.2691C>T, p.Gly897= (NM_001367841.1).
Identifiers: ClinVar variation 2639773 (VCV002639773.24), dbSNP rs1310004718, ClinGen allele CA422716048.

ClinVar aggregate classification (germline): Likely benign (1 of 4 stars; one submission).

Allele frequency attached by ClinVar (database versions not stated): gnomAD exomes below 0.00001; TOPMed below 0.00001.
gnomAD v4.1: 3 of 1,614,200 alleles (0.00019%); highest among the groups gnomAD compares: Non-Finnish European, 0.000085%; no homozygotes.

Submission:

CeGaT Center for Human Genetics Tuebingen
Classification: Likely benign. Last evaluated: 2022-07-01. Review status: criteria provided, single submitter. Criteria: CeGaT Center For Human Genetics Tuebingen Variant Classification Criteria Version 2. Collection method: clinical testing. Allele origin: germline. Affected: yes. Observed: 1 variant allele.
Comment: IGFN1: PM2:Supporting, BP4, BP7